The following is an entry in ClinVar:

NM_144687.4(NLRP12):c.671C>T (p.Ser224Phe)

Gene: NLRP12 (NLR family pyrin domain containing 12; minus strand). Cytogenetic location: 19q13.42.
Variant type: single nucleotide variant.
Coding change: c.671C>T on transcript NM_144687.4 (MANE Select); coding-DNA position 671, C replaced by T.
Protein change: p.Ser224Phe; replaces serine 224 with phenylalanine.
Molecular consequence: missense variant.
Genome position (GRCh38, 1-based): chr19:53,810,988, G>A on the plus strand (C>T on the coding strand, the complement: NLRP12 is on the minus strand). VCF-style: chr19-53810988-G-A. GRCh37 (hg19) VCF-style: chr19-54314242-G-A.
Other names: c.671C>T, p.Ser224Phe (NM_001277126.2, NM_001277129.1); short protein forms S224F.
Identifiers: ClinVar variation 1966882 (VCV001966882.5), dbSNP rs1400127661, ClinGen allele CA407416072.

ClinVar aggregate classification (germline): Uncertain significance (1 of 4 stars; one submission).

Conditions:
Familial cold autoinflammatory syndrome 2 (FCAS2). Identifiers: Orphanet 247868, MedGen C2673198, MONDO:0012724, OMIM 611762.

Submission:

Labcorp Genetics (formerly Invitae), Labcorp
Classification: Uncertain significance for Familial cold autoinflammatory syndrome 2. Last evaluated: 2024-07-01. Review status: criteria provided, single submitter. Criteria: Invitae Variant Classification Sherloc (09022015). Collection method: clinical testing. Allele origin: germline.
Comment: This sequence change replaces serine, which is neutral and polar, with phenylalanine, which is neutral and non-polar, at codon 224 of the NLRP12 protein (p.Ser224Phe). This variant is present in population databases (no rsID available, gnomAD 0.0009%). This variant has not been reported in the literature in individuals affected with NLRP12-related conditions. ClinVar contains an entry for this variant (Variation ID: 1966882). Advanced modeling of protein sequence and biophysical properties (such as structural, functional, and spatial information, amino acid conservation, physicochemical variation, residue mobility, and thermodynamic stability) performed at Invitae indicates that this missense variant is expected to disrupt NLRP12 protein function with a positive predictive value of 80%. In summary, the available evidence is currently insufficient to determine the role of this variant in disease. Therefore, it has been classified as a Variant of Uncertain Significance.